The following is an entry in ClinVar:

ClinVar aggregate classification (germline): Uncertain significance (0 of 4 stars; one submission).

Conditions:
ATP2A1-related disorder. Also called: ATP2A1-related condition.

gnomAD v4.1: 15 of 1,613,460 alleles (0.00093%); highest among the groups gnomAD compares: Non-Finnish European, 0.0012%; no homozygotes.

Submission:

PreventionGenetics, part of Exact Sciences
Classification: Uncertain significance for ATP2A1-related condition. Last evaluated: 2024-05-23. Review status: no assertion criteria provided. Collection method: clinical testing. Allele origin: germline.
Comment: The ATP2A1 c.2465G>A variant is predicted to result in the amino acid substitution p.Arg822Gln. To our knowledge, this variant has not been reported in the literature. This variant is reported in 0.0018% of alleles in individuals of European (Non-Finnish) descent in gnomAD. At this time, the clinical significance of this variant is uncertain due to the absence of conclusive functional and genetic evidence.

NM_004320.6(ATP2A1):c.2465G>A (p.Arg822Gln)

Gene: ATP2A1 (ATPase sarcoplasmic/endoplasmic reticulum Ca2+ transporting 1; plus strand). Cytogenetic location: 16p11.2.
Variant type: single nucleotide variant.
Coding change: c.2465G>A on transcript NM_004320.6 (MANE Select); coding-DNA position 2465, G replaced by A.
Protein change: p.Arg822Gln; replaces arginine 822 with glutamine.
Molecular consequence: missense variant.
Genome position (GRCh38, 1-based): chr16:28,902,327, G>A. VCF-style: chr16-28902327-G-A. GRCh37 (hg19) VCF-style: chr16-28913648-G-A.
Other names: c.2090G>A, p.Arg697Gln (NM_001286075.2); c.2465G>A, p.Arg822Gln (NM_173201.5); short protein forms R697Q, R822Q.
Identifiers: ClinVar variation 3356897 (VCV003356897.1).
Genomic context (GRCh38, chr16:28,902,327, plus strand): 5'-TCCCAGCCACAGCCCTGGGCTTCAACCCACCAGACCTGGACATCATGGACCGCCCCCCCC[G>A]GAGCCCCAAGGAGCCCCTCATCAGTGGCTGGCTCTTCTTCCGCTACATGGCAATCGGGGG-3'
Protein context (NP_004311.1, residues 812-832): PDLDIMDRPP[Arg822Gln]SPKEPLISGW